The following is an entry in ClinVar:

ClinVar aggregate classification (germline): Uncertain significance (1 of 4 stars; one submission).

gnomAD v4.1: 2 of 1,579,920 alleles (0.00013%); highest among the groups gnomAD compares: East Asian, 0.0022%; no homozygotes.

Submission:

Labcorp Genetics (formerly Invitae), Labcorp
Classification: Uncertain significance. Last evaluated: 2022-11-28. Review status: criteria provided, single submitter. Criteria: Invitae Variant Classification Sherloc (09022015). Collection method: clinical testing. Allele origin: germline.
Comment: This sequence change replaces isoleucine, which is neutral and non-polar, with threonine, which is neutral and polar, at codon 146 of the ASAH1 protein (p.Ile146Thr). This variant is not present in population databases (gnomAD no frequency). This variant has not been reported in the literature in individuals affected with ASAH1-related conditions. Advanced modeling of protein sequence and biophysical properties (such as structural, functional, and spatial information, amino acid conservation, physicochemical variation, residue mobility, and thermodynamic stability) performed at Invitae indicates that this missense variant is expected to disrupt ASAH1 protein function. In summary, the available evidence is currently insufficient to determine the role of this variant in disease. Therefore, it has been classified as a Variant of Uncertain Significance.

NM_177924.5(ASAH1):c.437T>C (p.Ile146Thr)

Gene: ASAH1 (N-acylsphingosine amidohydrolase 1; minus strand). Cytogenetic location: 8p22.
Variant type: single nucleotide variant.
Coding change: c.437T>C on transcript NM_177924.5 (MANE Select); coding-DNA position 437, T replaced by C.
Protein change: p.Ile146Thr; replaces isoleucine 146 with threonine.
Molecular consequence: missense variant.
Genome position (GRCh38, 1-based): chr8:18,064,477, A>G on the plus strand (T>C on the coding strand, the complement: ASAH1 is on the minus strand). VCF-style: chr8-18064477-A-G. GRCh37 (hg19) VCF-style: chr8-17921986-A-G.
Other names: c.419T>C, p.Ile140Thr (NM_001127505.3); c.242T>C, p.Ile81Thr (NM_001363743.2); c.485T>C, p.Ile162Thr (NM_004315.6); short protein forms I81T, I140T, I146T, I162T.
Identifiers: ClinVar variation 2136640 (VCV002136640.4), dbSNP rs1409207972, ClinGen allele CA370431570.
Genomic context (GRCh38, chr8:18,064,477, plus strand): 5'-AGTGCTTCATGCTGCCCACCCTCCCTCAGCGCACAATTACCTTTTTTGTCTTCTGCTACT[A>G]TTGAAGTACAAATGGTAAATAATTCATAAAAAATATTGAATGAAATAATCTCTCCTATGA-3'
Protein context (NP_808592.2, residues 136-156): FYELFTICTS[Ile146Thr]VAEDKKGHLI